The following is an entry in ClinVar:

NM_015102.5(NPHP4):c.1415C>G (p.Ser472Cys)

Gene: NPHP4 (nephrocystin 4; minus strand). Cytogenetic location: 1p36.31.
Variant type: single nucleotide variant.
Coding change: c.1415C>G on transcript NM_015102.5 (MANE Select); coding-DNA position 1415, C replaced by G.
Protein change: p.Ser472Cys; replaces serine 472 with cysteine.
Molecular consequence: missense variant. On other transcripts: non-coding transcript variant (1).
Genome position (GRCh38, 1-based): chr1:5,927,675, G>C on the plus strand (C>G on the coding strand, the complement: NPHP4 is on the minus strand). VCF-style: chr1-5927675-G-C. GRCh37 (hg19) VCF-style: chr1-5987735-G-C.
Other names: c.49C>G, p.Pro17Ala (NM_001291593.2, NM_001291594.2); short protein forms P17A, S472C.
Identifiers: ClinVar variation 1949609 (VCV001949609.5), dbSNP rs2522507026, ClinGen allele CA338059834.

ClinVar aggregate classification (germline): Uncertain significance (1 of 4 stars; one submission).

Conditions:
Nephronophthisis. Also called: Juvenile Nephronophthisis. Identifiers: Orphanet 655, MedGen C0687120, MONDO:0019005, HP:0000090.

Allele frequency attached by ClinVar (database versions not stated): gnomAD exomes below 0.00001.
gnomAD v4.1: 1 of 1,612,206 alleles (0.000062%); highest among the groups gnomAD compares: Non-Finnish European, 0.000085%; no homozygotes.

Submission:

Labcorp Genetics (formerly Invitae), Labcorp
Classification: Uncertain significance for Nephronophthisis. Last evaluated: 2022-08-21. Review status: criteria provided, single submitter. Criteria: Invitae Variant Classification Sherloc (09022015). Collection method: clinical testing. Allele origin: germline.
Comment: In summary, the available evidence is currently insufficient to determine the role of this variant in disease. Therefore, it has been classified as a Variant of Uncertain Significance. Algorithms developed to predict the effect of missense changes on protein structure and function output the following: SIFT: "Tolerated"; PolyPhen-2: "Benign"; Align-GVGD: "Class C0". The cysteine amino acid residue is found in multiple mammalian species, which suggests that this missense change does not adversely affect protein function. This variant has not been reported in the literature in individuals affected with NPHP4-related conditions. This variant is not present in population databases (gnomAD no frequency). This sequence change replaces serine, which is neutral and polar, with cysteine, which is neutral and slightly polar, at codon 472 of the NPHP4 protein (p.Ser472Cys).